The following is an entry in ClinVar:

ClinVar aggregate classification (germline): Uncertain significance (1 of 4 stars; one submission).

Submission:

GeneDx
Classification: Uncertain significance. Last evaluated: 2023-12-07. Review status: criteria provided, single submitter. Criteria: GeneDx Variant Classification Process June 2021. Collection method: clinical testing. Allele origin: germline. Affected: yes.
Comment: Not observed at significant frequency in large population cohorts (gnomAD); In silico analysis supports that this missense variant has a deleterious effect on protein structure/function; Has not been previously published as pathogenic or benign to our knowledge

NM_016604.4(KDM3B):c.3833T>G (p.Leu1278Trp)

Gene: KDM3B (lysine demethylase 3B; plus strand). Cytogenetic location: 5q31.2.
Variant type: single nucleotide variant.
Coding change: c.3833T>G on transcript NM_016604.4 (MANE Select); coding-DNA position 3833, T replaced by G.
Protein change: p.Leu1278Trp; replaces leucine 1278 with tryptophan.
Molecular consequence: missense variant.
Genome position (GRCh38, 1-based): chr5:138,420,823, T>G. VCF-style: chr5-138420823-T-G. GRCh37 (hg19) VCF-style: chr5-137756512-T-G.
Other names: short protein forms L1278W.
Identifiers: ClinVar variation 3364418 (VCV003364418.1).
Genomic context (GRCh38, chr5:138,420,823, plus strand): 5'-ACTCGTTCAACTCCACTGCAAAGGTCTCTCCGCTGACTCCAAAGCTTTTTAACAGTCTGT[T>G]GCTGGGTCCCACTGCCTCCAACAACAAAACCGAAGGGTCTAGCCTTCGAGACCTCCTTCA-3'
Protein context (NP_057688.3, residues 1268-1288): PLTPKLFNSL[Leu1278Trp]LGPTASNNKT